The following is an entry in ClinVar:

ClinVar aggregate classification (germline): Uncertain significance (1 of 4 stars; one submission).

Submission:

Labcorp Genetics (formerly Invitae), Labcorp
Classification: Uncertain significance. Last evaluated: 2025-12-15. Review status: criteria provided, single submitter. Criteria: Invitae Variant Classification Sherloc (09022015). Collection method: clinical testing. Allele origin: germline.
Comment: This sequence change replaces cysteine, which is neutral and slightly polar, with phenylalanine, which is neutral and non-polar, at codon 119 of the IKZF1 protein (p.Cys119Phe). This variant is not present in population databases (gnomAD no frequency). This variant has not been reported in the literature in individuals affected with IKZF1-related conditions. An algorithm developed to predict the effect of missense changes on protein structure and function (PolyPhen-2) suggests that this variant is likely to be disruptive. In summary, the available evidence is currently insufficient to determine the role of this variant in disease. Therefore, it has been classified as a Variant of Uncertain Significance.

NM_006060.6(IKZF1):c.356G>T (p.Cys119Phe)

Gene: IKZF1 (IKAROS family zinc finger 1; plus strand). Cytogenetic location: 7p12.2.
Variant type: single nucleotide variant.
Coding change: c.356G>T on transcript NM_006060.6 (MANE Select); coding-DNA position 356, G replaced by T.
Protein change: p.Cys119Phe; replaces cysteine 119 with phenylalanine.
Molecular consequence: missense variant. On other transcripts: intron variant (9).
Genome position (GRCh38, 1-based): chr7:50,376,728, G>T. VCF-style: chr7-50376728-G-T. GRCh37 (hg19) VCF-style: chr7-50444426-G-T.
Other names: c.356G>T, p.Cys119Phe (NM_001220765.3, NM_001220768.2, NM_001220771.2 and 1 more transcripts); c.416G>T, p.Cys139Phe (NM_001410879.1); c.161-5812G>T (NM_001291839.2, NM_001291838.2, NM_001220767.2 and 1 more transcripts); c.161-10617G>T (NM_001291841.1, NM_001291842.1); c.161-15001G>T (NM_001291843.1, NM_001291844.1); c.161-23190G>T (NM_001291840.1); short protein forms C119F, C139F.
Identifiers: ClinVar variation 4718233 (VCV004718233.1).